The following is an entry in ClinVar:

NM_144991.3(TSPEAR):c.1568C>T (p.Thr523Met)

Genes: TSPEAR (thrombospondin type laminin G domain and EAR repeats; minus strand), TSPEAR-AS1 (TSPEAR antisense RNA 1; plus strand), LOC126653398 (CDK7 strongly-dependent group 2 enhancer GRCh37_chr21:45928270-45929469; plus strand). Cytogenetic location: 21q22.3.
Variant type: single nucleotide variant.
Coding change: c.1568C>T on transcript NM_144991.3 (MANE Select); coding-DNA position 1568, C replaced by T.
Protein change: p.Thr523Met; replaces threonine 523 with methionine.
Molecular consequence: missense variant. On other transcripts: non-coding transcript variant (1).
Genome position (GRCh38, 1-based): chr21:44,509,385, G>A on the plus strand (C>T on the coding strand, the complement: TSPEAR is on the minus strand). VCF-style: chr21-44509385-G-A. GRCh37 (hg19) VCF-style: chr21-45929268-G-A.
Other names: c.1364C>T, p.Thr455Met (NM_001272037.2); short protein forms T455M, T523M.
Identifiers: ClinVar variation 1928803 (VCV001928803.5), dbSNP rs140225192, ClinGen allele CA10056451.

ClinVar aggregate classification (germline): Uncertain significance (1 of 4 stars; one submission).

Allele frequency attached by ClinVar (database versions not stated): gnomAD exomes 0.00001; gnomAD 0.00002; ExAC 0.00005; ESP Exome Variant Server 0.00008; 1000 Genomes Project 30x 0.00016; 1000 Genomes Project 0.00020.
gnomAD v4.1: 14 of 1,610,948 alleles (0.00087%); highest among the groups gnomAD compares: African/African-American, 0.0054%; no homozygotes.

Submission:

Labcorp Genetics (formerly Invitae), Labcorp
Classification: Uncertain significance. Last evaluated: 2025-07-10. Review status: criteria provided, single submitter. Criteria: Invitae Variant Classification Sherloc (09022015). Collection method: clinical testing. Allele origin: germline.
Comment: This sequence change replaces threonine, which is neutral and polar, with methionine, which is neutral and non-polar, at codon 523 of the TSPEAR protein (p.Thr523Met). This variant is present in population databases (rs140225192, gnomAD 0.007%). This variant has not been reported in the literature in individuals affected with TSPEAR-related conditions. ClinVar contains an entry for this variant (Variation ID: 1928803). An algorithm developed to predict the effect of missense changes on protein structure and function (PolyPhen-2) suggests that this variant is likely to be disruptive. In summary, the available evidence is currently insufficient to determine the role of this variant in disease. Therefore, it has been classified as a Variant of Uncertain Significance.